The following is an entry in ClinVar:

ClinVar aggregate classification (germline): Uncertain significance (1 of 4 stars; one submission).

Conditions:
Hereditary spastic paraplegia 39 (SPG39). Also called: SPASTIC PARAPLEGIA 39, AUTOSOMAL RECESSIVE; Spastic Paraplegia Type 39 (SPG39). Identifiers: Orphanet 139480, MedGen C2677586, MONDO:0012787, OMIM 612020.

Allele frequency attached by ClinVar (database versions not stated): ExAC 0.00001.
gnomAD v4.1: 46 of 1,610,476 alleles (0.0029%); highest among the groups gnomAD compares: Non-Finnish European, 0.0037%; no homozygotes.

Submission:

Labcorp Genetics (formerly Invitae), Labcorp
Classification: Uncertain significance for Hereditary spastic paraplegia 39. Last evaluated: 2022-07-04. Review status: criteria provided, single submitter. Criteria: Invitae Variant Classification Sherloc (09022015). Collection method: clinical testing. Allele origin: germline.
Comment: Algorithms developed to predict the effect of missense changes on protein structure and function are either unavailable or do not agree on the potential impact of this missense change (SIFT: "Tolerated"; PolyPhen-2: "Probably Damaging"; Align-GVGD: "Class C0"). In summary, the available evidence is currently insufficient to determine the role of this variant in disease. Therefore, it has been classified as a Variant of Uncertain Significance. Algorithms developed to predict the effect of sequence changes on RNA splicing suggest that this variant may create or strengthen a splice site. ClinVar contains an entry for this variant (Variation ID: 1473752). This variant has not been reported in the literature in individuals affected with PNPLA6-related conditions. This variant is present in population databases (rs772665971, gnomAD 0.002%). This sequence change replaces threonine, which is neutral and polar, with arginine, which is basic and polar, at codon 244 of the PNPLA6 protein (p.Thr244Arg).

NM_001166114.2(PNPLA6):c.848C>G (p.Thr283Arg)

Gene: PNPLA6 (patatin like domain 6, lysophospholipase; plus strand). Cytogenetic location: 19p13.2.
Variant type: single nucleotide variant.
Coding change: c.848C>G on transcript NM_001166114.2 (MANE Select); coding-DNA position 848, C replaced by G.
Protein change: p.Thr283Arg; replaces threonine 283 with arginine.
Molecular consequence: missense variant.
Genome position (GRCh38, 1-based): chr19:7,540,975, C>G. VCF-style: chr19-7540975-C-G. GRCh37 (hg19) VCF-style: chr19-7605861-C-G.
Other names: c.875C>G, p.Thr292Arg (NM_001166111.2); c.731C>G, p.Thr244Arg (NM_001166112.2, NM_001166113.1, NM_006702.5); short protein forms T244R, T283R, T292R.
Identifiers: ClinVar variation 1473752 (VCV001473752.6), dbSNP rs772665971, ClinGen allele CA9139592.